The following is an entry in ClinVar:

NM_015512.5(DNAH1):c.6822C>G (p.Asp2274Glu)

Gene: DNAH1 (dynein axonemal heavy chain 1; plus strand). Cytogenetic location: 3p21.1.
Variant type: single nucleotide variant.
Coding change: c.6822C>G on transcript NM_015512.5 (MANE Select); coding-DNA position 6822, C replaced by G.
Protein change: p.Asp2274Glu; replaces aspartic acid 2274 with glutamic acid.
Molecular consequence: missense variant.
Genome position (GRCh38, 1-based): chr3:52,372,382, C>G. VCF-style: chr3-52372382-C-G. GRCh37 (hg19) VCF-style: chr3-52406398-C-G.
Other names: short protein forms D2274E.
Identifiers: ClinVar variation 2041554 (VCV002041554.2), dbSNP rs539311526, ClinGen allele CA2434643.

ClinVar aggregate classification (germline): Uncertain significance (1 of 4 stars; one submission).

Conditions:
Spermatogenic failure 18. Identifiers: MedGen C4539783, MONDO:0054615, OMIM 617576.
Ciliary dyskinesia, primary, 37 (CILD37). Also called: CILIARY DYSKINESIA, PRIMARY, 37, WITH OR WITHOUT SITUS INVERSUS. Identifiers: MedGen C4539798, MONDO:0033204, OMIM 617577.

Allele frequency attached by ClinVar (database versions not stated): gnomAD 0.00007; TOPMed 0.00011; ExAC 0.00013; 1000 Genomes Project 30x 0.00031; 1000 Genomes Project 0.00020; gnomAD exomes 0.00003.
gnomAD v4.1: 56 of 1,613,692 alleles (0.0035%); highest among the groups gnomAD compares: East Asian, 0.11%; no homozygotes.

Submission:

Labcorp Genetics (formerly Invitae), Labcorp
Classification: Uncertain significance for Ciliary dyskinesia, primary, 37; Spermatogenic failure 18. Last evaluated: 2025-11-03. Review status: criteria provided, single submitter. Criteria: Invitae Variant Classification Sherloc (09022015). Collection method: clinical testing. Allele origin: germline.
Comment: This sequence change replaces aspartic acid, which is acidic and polar, with glutamic acid, which is acidic and polar, at codon 2274 of the DNAH1 protein (p.Asp2274Glu). This variant is present in population databases (rs539311526, gnomAD 0.2%). This missense change has been observed in individual(s) with DNAH1-related conditions (PMID: 28577616, 33929677). In at least one individual the data is consistent with being in trans (on the opposite chromosome) from a pathogenic variant. ClinVar contains an entry for this variant (Variation ID: 2041554). Invitae Evidence Modeling of protein sequence and biophysical properties (such as structural, functional, and spatial information, amino acid conservation, physicochemical variation, residue mobility, and thermodynamic stability) indicates that this missense variant is not expected to disrupt DNAH1 protein function with a negative predictive value of 80%. In summary, the available evidence is currently insufficient to determine the role of this variant in disease. Therefore, it has been classified as a Variant of Uncertain Significance.

Literature cited by the submitters: PubMed 28577616; PubMed 33929677.